The following is an entry in ClinVar:

NC_000019.9:g.(?_48337701)_(48337820_?)del

Gene: CRX (cone-rod homeobox; plus strand). Cytogenetic location: 19q13.33.
Variant type: Deletion.
Identifiers: ClinVar variation 2423324 (VCV002423324.4).

ClinVar aggregate classification (germline): Uncertain significance (1 of 4 stars; one submission).

Conditions:
Cone-rod dystrophy 2 (CORD2). Also called: Cone-rod retinal dystrophy 2; CONE-ROD RETINAL DYSTROPHY. Identifiers: Orphanet 1872, MedGen C3489532, MONDO:0007362, OMIM 120970.
Leber congenital amaurosis 7 (LCA7). Identifiers: Orphanet 65, MedGen C3151192, MONDO:0013449, OMIM 613829.

Submission:

Labcorp Genetics (formerly Invitae), Labcorp
Classification: Uncertain significance for Cone-rod dystrophy 2; Leber congenital amaurosis 7. Last evaluated: 2022-11-08. Review status: criteria provided, single submitter. Criteria: Invitae Variant Classification Sherloc (09022015). Collection method: clinical testing. Allele origin: germline.
Comment: In summary, the available evidence is currently insufficient to determine the role of this variant in disease. Therefore, it has been classified as a Variant of Uncertain Significance. This variant has not been reported in the literature in individuals affected with CRX-related conditions. This variant is a gross deletion of the genomic region encompassing exon(s) 2 of the CRX gene, which includes the initiator codon. This deletion extends beyond the assayed region for this gene and therefore may encompass additional genes. It is expected to result in an absent or disrupted protein product. However, the current clinical and genetic evidence is not sufficient to establish whether loss-of-function variants in CRX cause disease.